The following is an entry in ClinVar:

NM_000392.5(ABCC2):c.3615-2A>T

Gene: ABCC2 (ATP binding cassette subfamily C member 2; plus strand). Cytogenetic location: 10q24.2.
Variant type: single nucleotide variant.
Coding change: c.3615-2A>T on transcript NM_000392.5 (MANE Select); the canonical splice acceptor site of the intron before coding-DNA position 3615, A replaced by T.
Molecular consequence: splice acceptor variant.
Genome position (GRCh38, 1-based): chr10:99,841,965, A>T. VCF-style: chr10-99841965-A-T. GRCh37 (hg19) VCF-style: chr10-101601722-A-T.
Identifiers: ClinVar variation 3060252 (VCV003060252.2), dbSNP rs2493041468, ClinGen allele CA378126076.

ClinVar aggregate classification (germline): Pathogenic (0 of 4 stars; one submission).

Conditions:
ABCC2-related disorder. Also called: ABCC2-related condition.

gnomAD v4.1: 3 of 1,614,160 alleles (0.00019%); highest among the groups gnomAD compares: Middle Eastern, 0.016%; no homozygotes.

Submission:

PreventionGenetics, part of Exact Sciences
Classification: Pathogenic for ABCC2-related condition. Last evaluated: 2024-03-05. Review status: no assertion criteria provided. Collection method: clinical testing. Allele origin: germline.
Comment: The ABCC2 c.3615-2A>T variant is predicted to disrupt the AG splice acceptor site and interfere with normal splicing. To our knowledge, this variant has not been reported in the literature or in a large population database, indicating this variant is rare. Variants that disrupt the consensus splice acceptor site in ABCC2 are expected to be pathogenic. This variant is interpreted as pathogenic.